The following is an entry in ClinVar:

ClinVar aggregate classification (germline): Conflicting classifications of pathogenicity. Review status: criteria provided, conflicting classifications (1 of 4 stars). 3 submissions from 3 submitters: Uncertain significance (2); Likely benign (1). Last evaluated 2026-01-31.

Conditions:
Multiple endocrine neoplasia, type 1 (MEN1). Also called: MEN I; WERMER SYNDROME; Endocrine adenomatosis multiple; MEN 1; MEA I. Identifiers: Orphanet 652, MedGen C0025267, MeSH D018761, MONDO:0007540, OMIM 131100.
Hereditary cancer-predisposing syndrome. Also called: Neoplastic Syndromes, Hereditary; Tumor predisposition; Hereditary neoplastic syndrome; Hereditary Cancer Syndrome. Identifiers: Orphanet 140162, MedGen C0027672, MeSH D009386, MONDO:0015356.

Allele frequency attached by ClinVar (database versions not stated): gnomAD exomes below 0.00001; gnomAD 0.00001.
gnomAD v4.1: 2 of 1,607,188 alleles (0.00012%); highest among the groups gnomAD compares: East Asian, 0.0022%; no homozygotes.

Submissions (3):

Labcorp Genetics (formerly Invitae), Labcorp
Classification: Likely benign for Multiple endocrine neoplasia, type 1. Last evaluated: 2026-01-31. Review status: criteria provided, single submitter. Criteria: Invitae Variant Classification Sherloc (09022015). Collection method: clinical testing. Allele origin: germline.

Ambry Genetics
Classification: Uncertain significance for Hereditary cancer-predisposing syndrome. Last evaluated: 2024-08-12. Review status: criteria provided, single submitter. Criteria: Ambry Variant Classification Scheme 2023. Collection method: clinical testing. Allele origin: germline.
Comment: The p.D17N variant (also known as c.49G>A), located in coding exon 1 of the MEN1 gene, results from a G to A substitution at nucleotide position 49. The aspartic acid at codon 17 is replaced by asparagine, an amino acid with highly similar properties. This amino acid position is highly conserved in available vertebrate species. In addition, the in silico prediction for this alteration is inconclusive. Based on the available evidence, the clinical significance of this variant remains unclear.

Quest Diagnostics Nichols Institute San Juan Capistrano
Classification: Uncertain significance. Last evaluated: 2024-04-10. Review status: criteria provided, single submitter. Criteria: Quest Diagnostics criteria. Collection method: clinical testing. Allele origin: unknown.

NM_001370259.2(MEN1):c.49G>A (p.Asp17Asn)

Gene: MEN1 (menin 1; minus strand). Cytogenetic location: 11q13.1.
Variant type: single nucleotide variant.
Coding change: c.49G>A on transcript NM_001370259.2 (MANE Select); coding-DNA position 49, G replaced by A.
Protein change: p.Asp17Asn; replaces aspartic acid 17 with asparagine.
Molecular consequence: missense variant.
Genome position (GRCh38, 1-based): chr11:64,810,061, C>T on the plus strand (G>A on the coding strand, the complement: MEN1 is on the minus strand). VCF-style: chr11-64810061-C-T. GRCh37 (hg19) VCF-style: chr11-64577533-C-T.
Other names: c.49G>A, p.Asp17Asn (NM_000244.4, NM_001370251.2, NM_001370260.2 and 9 more transcripts); short protein forms D17N.
Identifiers: ClinVar variation 527272 (VCV000527272.18), dbSNP rs1399824473, ClinGen allele CA381188174.